The following is an entry in ClinVar:

ClinVar aggregate classification (germline): Pathogenic. Review status: criteria provided, multiple submitters, no conflicts (2 of 4 stars). 2 submissions from 2 submitters: Pathogenic (2). Last evaluated 2025-02-10.

Conditions:
BRAT1-related disorder. Also called: BRAT1-related condition; BRAT1-related disorders.
Neonatal-onset encephalopathy with rigidity and seizures. Also called: Lethal neonatal spasticity-epileptic encephalopathy syndrome. Identifiers: Orphanet 435845, MedGen C3281029, MONDO:0013784, OMIM 614498.

Submissions (2):

PreventionGenetics, part of Exact Sciences
Classification: Pathogenic for BRAT1-related condition. Last evaluated: 2025-02-10. Review status: criteria provided, single submitter. Criteria: ACMG Guidelines, 2015. Collection method: clinical testing. Allele origin: germline.
Comment: The BRAT1 c.964C>T variant is predicted to result in premature protein termination (p.Gln322*). This variant was reported in the compound heterozygous state with a second premature termination variant in siblings with early infantile epileptic encephalopathy with neonatal rigidity (Supp Table 2, Burgess et al. 2019. PubMed ID: 31618474). This variant has not been reported in a large population database (gnomAD), indicating it is rare. Nonsense variants in BRAT1 are expected to be pathogenic. This variant is interpreted as pathogenic.

Genetic Services Laboratory, University of Chicago
Classification: Pathogenic for Rigidity and multifocal seizure syndrome, lethal neonatal. Last evaluated: 2016-01-14. Review status: criteria provided, single submitter. Criteria: ACMG Guidelines, 2015. Collection method: clinical testing. Allele origin: germline. Affected: yes.

NM_152743.4(BRAT1):c.964C>T (p.Gln322Ter)

Gene: BRAT1 (BRCA1 associated ATM activator 1; minus strand). Cytogenetic location: 7p22.3.
Variant type: single nucleotide variant.
Coding change: c.964C>T on transcript NM_152743.4 (MANE Select); coding-DNA position 964, C replaced by T.
Protein change: p.Gln322Ter; replaces glutamine 322 with a stop codon.
Molecular consequence: nonsense. On other transcripts: non-coding transcript variant (1).
Genome position (GRCh38, 1-based): chr7:2,542,171, G>A on the plus strand (C>T on the coding strand, the complement: BRAT1 is on the minus strand). VCF-style: chr7-2542171-G-A. GRCh37 (hg19) VCF-style: chr7-2581805-G-A.
Other names: c.964C>T, p.Gln322Ter (NM_001350626.2); c.439C>T, p.Gln147Ter (NM_001350627.2); short protein forms Q322*, Q147*.
Identifiers: ClinVar variation 434520 (VCV000434520.7), dbSNP rs1554295159, ClinGen allele CA366630319.